The following is an entry in ClinVar:

NM_003119.4(SPG7):c.139A>G (p.Arg47Gly)

Genes: SPG7 (SPG7 matrix AAA peptidase subunit, paraplegin; plus strand), LOC130059818 (ATAC-STARR-seq lymphoblastoid silent region 7911; plus strand). Cytogenetic location: 16q24.3.
Variant type: single nucleotide variant.
Coding change: c.139A>G on transcript NM_003119.4 (MANE Select); coding-DNA position 139, A replaced by G.
Protein change: p.Arg47Gly; replaces arginine 47 with glycine.
Molecular consequence: missense variant.
Genome position (GRCh38, 1-based): chr16:89,508,556, A>G. VCF-style: chr16-89508556-A-G. GRCh37 (hg19) VCF-style: chr16-89574964-A-G.
Other names: c.139A>G, p.Arg47Gly (NM_001363850.1, NM_199367.3); short protein forms R47G.
Identifiers: ClinVar variation 3234811 (VCV003234811.20), dbSNP rs2543662364, ClinGen allele CA397416067.
Genomic context (GRCh38, chr16:89,508,556, plus strand): 5'-CCGGCCTGGAGTCCAGGGTTCCCCGCCAGGCCCGGGAGGGGGCGGCCGTACATGGCCAGC[A>G]GGCCTCCGGGGGACCTCGCCGAGGCTGGAGGCCGAGCTCTGCAGGTAAATCCCCGCGGAG-3'
Protein context (NP_003110.1, residues 37-57): PGRGRPYMAS[Arg47Gly]PPGDLAEAGG

ClinVar aggregate classification (germline): Uncertain significance (1 of 4 stars; one submission).

Allele frequency attached by ClinVar (database versions not stated): gnomAD exomes below 0.00001.
gnomAD v4.1: 1 of 1,504,192 alleles (0.000066%); no homozygotes.

Submission:

CeGaT Center for Human Genetics Tuebingen
Classification: Uncertain significance. Last evaluated: 2024-04-01. Review status: criteria provided, single submitter. Criteria: CeGaT Center For Human Genetics Tuebingen Variant Classification Criteria Version 2. Collection method: clinical testing. Allele origin: germline. Affected: yes. Observed: 1 variant allele.
Comment: SPG7: PM2